The following is an entry in ClinVar:

ClinVar aggregate classification (germline): Likely pathogenic (1 of 4 stars; one submission).

Allele frequency attached by ClinVar (database versions not stated): TOPMed below 0.00001.
gnomAD v4.1: 2 of 1,589,474 alleles (0.00013%); highest among the groups gnomAD compares: Non-Finnish European, 0.00017%; no homozygotes.

Submission:

Labcorp Genetics (formerly Invitae), Labcorp
Classification: Likely pathogenic. Last evaluated: 2021-10-21. Review status: criteria provided, single submitter. Criteria: Invitae Variant Classification Sherloc (09022015). Collection method: clinical testing. Allele origin: germline.
Comment: This sequence change affects a donor splice site in intron 15 of the MPDZ gene. It is expected to disrupt RNA splicing. Variants that disrupt the donor or acceptor splice site typically lead to a loss of protein function (PMID: 16199547), and loss-of-function variants in MPDZ are known to be pathogenic (PMID: 23240096, 28556411). This variant is not present in population databases (ExAC no frequency). This variant has not been reported in the literature in individuals affected with MPDZ-related conditions. Algorithms developed to predict the effect of sequence changes on RNA splicing suggest that this variant may disrupt the consensus splice site. In summary, the currently available evidence indicates that the variant is pathogenic, but additional data are needed to prove that conclusively. Therefore, this variant has been classified as Likely Pathogenic.

Literature cited by the submitters: PubMed 16199547; PubMed 23240096; PubMed 28556411.

NM_001378778.1(MPDZ):c.1968+1G>T

Gene: MPDZ (multiple PDZ domain crumbs cell polarity complex component; minus strand). Cytogenetic location: 9p23.
Variant type: single nucleotide variant.
Coding change: c.1968+1G>T on transcript NM_001378778.1 (MANE Select); the canonical splice donor site of the intron after coding-DNA position 1968, G replaced by T.
Molecular consequence: splice donor variant.
Genome position (GRCh38, 1-based): chr9:13,192,130, C>A on the plus strand (G>T on the coding strand, the complement: MPDZ is on the minus strand). VCF-style: chr9-13192130-C-A. GRCh37 (hg19) VCF-style: chr9-13192129-C-A.
Other names: c.1968+1G>T (NM_001375425.1, NM_001375420.1, NM_001375419.1 and 14 more transcripts).
Identifiers: ClinVar variation 1516821 (VCV001516821.6), dbSNP rs1426662226, ClinGen allele CA372939102.